The following is an entry in ClinVar:

NM_004055.5(CAPN5):c.865C>T (p.Arg289Trp)

Gene: CAPN5 (calpain 5; plus strand). Cytogenetic location: 11q13.5.
Variant type: single nucleotide variant.
Coding change: c.865C>T on transcript NM_004055.5 (MANE Select); coding-DNA position 865, C replaced by T.
Protein change: p.Arg289Trp; replaces arginine 289 with tryptophan.
Molecular consequence: missense variant.
Genome position (GRCh38, 1-based): chr11:77,115,560, C>T. VCF-style: chr11-77115560-C-T. GRCh37 (hg19) VCF-style: chr11-76826606-C-T.
Other names: short protein forms R289W.
Identifiers: ClinVar variation 279987 (VCV000279987.24), dbSNP rs886041303, ClinGen allele CA10603137.

ClinVar aggregate classification (germline): Pathogenic. Review status: criteria provided, multiple submitters, no conflicts (2 of 4 stars). 9 submissions from 9 submitters: Pathogenic (7). 2 of the submissions do not count toward it. Last evaluated 2026-09-01.

Conditions:
CAPN5-related disorder. Also called: CAPN5-related condition.
Inborn genetic diseases. Identifiers: MedGen C0950123, MeSH D030342.
Proliferative vitreoretinopathy. Also called: Vitreoretinopathy, neovascular inflammatory. Identifiers: Orphanet 329211, MedGen C0242852, MONDO:0700115, OMIM 193235.

Submissions (9):

CeGaT Center for Human Genetics Tuebingen
Classification: Pathogenic. Last evaluated: 2026-09-01. Review status: criteria provided, single submitter. Criteria: CeGaT Center For Human Genetics Tuebingen Variant Classification Criteria Version 2. Collection method: clinical testing. Allele origin: germline. Affected: yes. Observed: 1 variant allele.
Comment: CAPN5: PM6:Strong, PP1:Strong, PM2, PS4:Moderate

GeneDx
Classification: Pathogenic. Last evaluated: 2025-03-14. Review status: criteria provided, single submitter. Criteria: GeneDx Variant Classification Process June 2021. Collection method: clinical testing. Allele origin: germline. Affected: yes.
Comment: Not observed at significant frequency in large population cohorts (gnomAD); Mutant mouse model exhibits a phenotype similar to that seen in humans (PMID: 29610848); Published in vitro functional studies demonstrate altered enzymatic activity (PMID: 29472286); In silico analysis supports that this missense variant has a deleterious effect on protein structure/function; This variant is associated with the following publications: (PMID: 33057194, 36369866, 35982159, 32707200, 30986125, 31403230, 29245980, 29472286, 29610848)

Labcorp Genetics (formerly Invitae), Labcorp
Classification: Pathogenic. Last evaluated: 2024-10-15. Review status: criteria provided, single submitter. Criteria: Invitae Variant Classification Sherloc (09022015). Collection method: clinical testing. Allele origin: germline.
Comment: This sequence change replaces arginine, which is basic and polar, with tryptophan, which is neutral and slightly polar, at codon 289 of the CAPN5 protein (p.Arg289Trp). This variant is not present in population databases (gnomAD no frequency). This missense change has been observed in individual(s) with autosomal dominant neovascular inflammatory vitreoretinopathy (PMID: 29472286, 30986125). In at least one individual the variant was observed to be de novo. ClinVar contains an entry for this variant (Variation ID: 279987). Invitae Evidence Modeling of protein sequence and biophysical properties (such as structural, functional, and spatial information, amino acid conservation, physicochemical variation, residue mobility, and thermodynamic stability) has been performed for this missense variant. However, the output from this modeling did not meet the statistical confidence thresholds required to predict the impact of this variant on CAPN5 protein function. Experimental studies have shown that this missense change affects CAPN5 function (PMID: 29472286). For these reasons, this variant has been classified as Pathogenic.

Blueprint Genetics
Classification: Pathogenic for CAPN5-related disorders. Last evaluated: 2022-02-22. Review status: criteria provided, single submitter. Criteria: ACMG Guidelines, 2015. Collection method: clinical testing. Allele origin: germline. Affected: yes. Observed: 1 variant allele.

Institute of Human Genetics Munich, TUM University Hospital
Classification: Pathogenic for Proliferative vitreoretinopathy. Last evaluated: 2020-05-25. Review status: criteria provided, single submitter. Criteria: Classification criteria August 2017. Collection method: clinical testing. Allele origin: de novo. Inheritance: Autosomal dominant inheritance. Affected: yes. Observed: 1 heterozygote.

Ambry Genetics
Classification: Pathogenic for Inborn genetic diseases. Last evaluated: 2020-03-12. Review status: criteria provided, single submitter. Criteria: Ambry Variant Classification Scheme 2023. Collection method: clinical testing. Allele origin: germline.
Comment: The alteration results in an amino acid change:_x000D_ _x000D_ The c.865C>T (p.R289W) alteration is located in exon 6 (coding exon 5) of the CAPN5 gene. This alteration results from a C to T substitution at nucleotide position 865, causing the arginine (R) at amino acid position 289 to be replaced by a tryptophan (W). The alteration is not observed in healthy cohorts:_x000D_ _x000D_ Based on data from the Genome Aggregation Database (gnomAD), the CAPN5 c.865C>T alteration was not observed, with coverage at this position. The alteration has been observed in affected individuals: _x000D_ _x000D_ This alteration has been reported in a large Chinese family with 9 individuals in 4 generations affected with vitreoretinopathy, cataracts and retinitis pigmentosa starting in childhood, and it segregated with all affected individuals in that family (Wang, 2018). In addition, it has been reported de novo in two unrelated patients with vitreoretinopathy, hearing loss, and additional findings (O'Keefe, 2019; Velez, 2018). The altered amino acid is conserved throughout evolution:_x000D_ _x000D_ The p.R289 amino acid is conserved in available vertebrate species through reptiles. Functional analysis reveals a damaging effect of the amino acid alteration: _x000D_ _x000D_ A mouse model harboring this alteration was found to have an abnormally proliferative retinal pigment epithelium (RPE) layer (Wang, 2018) and in vitro studies have demostrated a gain-of-function effect with hyperactivation of the calpain protease even in the absence of calcium levels typically required for activation of wild type CAPN5 (Velez, 2018). The alteration is predicted tolerated by in silico modeling:_x000D_ _x000D_ The p.R289W alteration is predicted to be tolerated by in silico analysis. Based on the available evidence, this alteration is classified as pathogenic.

Juno Genomics, Hangzhou Juno Genomics, Inc
Classification: Pathogenic for Proliferative vitreoretinopathy. Review status: criteria provided, single submitter. Criteria: ACMG Guidelines, 2015. Collection method: clinical testing. Allele origin: germline. Affected: yes.
Comment: Absent from controls (or at extremely low frequency if recessive) in Genome Aggregation Database.;Well-established in vitro or in vivo functional studies supportive of a damaging effect on the gene or gene product.;The prevalence of the variant in affected individuals is significantly increased compared to the prevalence in controls.;Patient's phenotype or family history is highly specific for a disease with a single genetic etiology.;De novo (both maternity and paternity confirmed) in a patient with the disease and no family history.;Co-segregation with disease in multiple affected family members.

PreventionGenetics, part of Exact Sciences
Classification: Pathogenic for CAPN5-related condition. Last evaluated: 2024-04-24. Review status: no assertion criteria provided. Collection method: clinical testing. Allele origin: germline. Not counted in ClinVar's aggregate classification.
Comment: The CAPN5 c.865C>T variant is predicted to result in the amino acid substitution p.Arg289Trp. This variant has been reported as de novo in four pediatric patients with vitreoretinopathy phenotypes (Velez et al. 2018. PubMed ID: 29472286; O'Keefe et al. 2019. PubMed ID: 30986125; Xia et al. 2022. PubMed ID: 36369866). This variant was also reported in a patient from a posterior segment uveitis cohort (Li et al. 2020. PubMed ID: 32707200). A functional analysis showed that this variant had a gain of function effect, leading to increased the proteolytic activity of CAPN5 (Velez et al. 2018. PubMed ID: 29472286). This variant has not been reported in a large population database, indicating this variant is rare and has been interpreted as pathogenic by multiple submitters in ClinVar. This variant is interpreted as pathogenic.

Omics Laboratory, Stanford University
Classification: Pathogenic for Proliferative vitreoretinopathy. Review status: no assertion criteria provided. Collection method: research. Allele origin: de novo. Inheritance: Sporadic. Affected: yes. Observed: 1 variant allele, 1 heterozygote. Not counted in ClinVar's aggregate classification.

Literature cited by the submitters: PubMed 29472286 (cited by Labcorp Genetics (formerly Invitae), Labcorp and Ambry Genetics); PubMed 30986125 (cited by Labcorp Genetics (formerly Invitae), Labcorp and Ambry Genetics); PubMed 29610848 (cited by Ambry Genetics).